The following is an entry in ClinVar:

NM_000338.3(SLC12A1):c.1686G>A (p.Ala562=)

Gene: SLC12A1 (solute carrier family 12 member 1; plus strand). Cytogenetic location: 15q21.1.
Variant type: single nucleotide variant.
Coding change: c.1686G>A on transcript NM_000338.3 (MANE Select); coding-DNA position 1686, G replaced by A.
Protein change: p.Ala562=; no amino-acid change (alanine 562 retained).
Molecular consequence: synonymous variant.
Genome position (GRCh38, 1-based): chr15:48,249,576, G>A. VCF-style: chr15-48249576-G-A. GRCh37 (hg19) VCF-style: chr15-48541773-G-A.
Other names: c.1686G>A, p.Ala562= (NM_001184832.2).
Identifiers: ClinVar variation 884313 (VCV000884313.10), dbSNP rs199833808, ClinGen allele CA7547176.

ClinVar aggregate classification (germline): Uncertain significance. Review status: criteria provided, multiple submitters, no conflicts (2 of 4 stars). 3 submissions from 3 submitters: Uncertain significance (3). Last evaluated 2024-10-29.

Conditions:
Bartter disease type 1. Also called: HYPOKALEMIC ALKALOSIS WITH HYPERCALCIURIA 1, ANTENATAL; Bartter syndrome, type 1, antenatal; Bartter Syndrome type 1; HYPERPROSTAGLANDIN E SYNDROME 1. Identifiers: Orphanet 112, Orphanet 620217, MedGen C1866495, MONDO:0100344, OMIM 601678, MONDO:0011127.

Allele frequency attached by ClinVar (database versions not stated): gnomAD 0.00003 and 0.00004; gnomAD exomes 0.00003 and 0.00004; TOPMed 0.00003; ExAC 0.00007; 1000 Genomes Project 30x 0.00016; 1000 Genomes Project 0.00020.
gnomAD v4.1: 73 of 1,611,742 alleles (0.0045%); highest among the groups gnomAD compares: South Asian, 0.0066%; no homozygotes.

Submissions (3):

Labcorp Genetics (formerly Invitae), Labcorp
Classification: Uncertain significance. Last evaluated: 2024-10-29. Review status: criteria provided, single submitter. Criteria: Invitae Variant Classification Sherloc (09022015). Collection method: clinical testing. Allele origin: germline.
Comment: This sequence change affects codon 562 of the SLC12A1 mRNA. It is a 'silent' change, meaning that it does not change the encoded amino acid sequence of the SLC12A1 protein. This variant is present in population databases (rs199833808, gnomAD 0.008%). This variant has not been reported in the literature in individuals affected with SLC12A1-related conditions. ClinVar contains an entry for this variant (Variation ID: 884313). Algorithms developed to predict the effect of sequence changes on RNA splicing suggest that this variant may create or strengthen a splice site. In summary, the available evidence is currently insufficient to determine the role of this variant in disease. Therefore, it has been classified as a Variant of Uncertain Significance.

Fulgent Genetics
Classification: Uncertain significance for Bartter disease type 1. Last evaluated: 2022-03-03. Review status: criteria provided, single submitter. Criteria: ACMG Guidelines, 2015. Collection method: clinical testing. Allele origin: unknown.

Illumina Laboratory Services, Illumina
Classification: Uncertain significance for Bartter disease type 1. Last evaluated: 2018-01-12. Review status: criteria provided, single submitter. Criteria: ICSL Variant Classification Criteria 13 December 2019. Collection method: clinical testing. Allele origin: germline.